The following is an entry in ClinVar:

ClinVar aggregate classification (germline): Uncertain significance (1 of 4 stars; one submission).

Conditions:
Charcot-Marie-Tooth disease axonal type 2P. Also called: Charcot-Marie-Tooth Neuropathy Type 2G; CHARCOT-MARIE-TOOTH DISEASE, AXONAL, TYPE 2G; CMT 2G; CHARCOT-MARIE-TOOTH NEUROPATHY, TYPE 2P. Identifiers: Orphanet 300319, Orphanet 99941, MedGen C3280797, MONDO:0013753, OMIM 614436.

Allele frequency attached by ClinVar (database versions not stated): gnomAD exomes below 0.00001; gnomAD 0.00001.
gnomAD v4.1: 7 of 1,613,532 alleles (0.00043%); highest among the groups gnomAD compares: Non-Finnish European, 0.00059%; no homozygotes.

Submission:

Labcorp Genetics (formerly Invitae), Labcorp
Classification: Uncertain significance for Charcot-Marie-Tooth disease axonal type 2P. Last evaluated: 2021-02-19. Review status: criteria provided, single submitter. Criteria: Invitae Variant Classification Sherloc (09022015). Collection method: clinical testing. Allele origin: germline.
Comment: Algorithms developed to predict the effect of missense changes on protein structure and function are either unavailable or do not agree on the potential impact of this missense change (SIFT: "Deleterious"; PolyPhen-2: "Probably Damaging"; Align-GVGD: "Class C0"). This variant has not been reported in the literature in individuals with LRSAM1-related conditions. This variant is not present in population databases (ExAC no frequency). This sequence change replaces glutamine with histidine at codon 102 of the LRSAM1 protein (p.Gln102His). The glutamine residue is highly conserved and there is a small physicochemical difference between glutamine and histidine. In summary, the available evidence is currently insufficient to determine the role of this variant in disease. Therefore, it has been classified as a Variant of Uncertain Significance.

NM_001005373.4(LRSAM1):c.306G>C (p.Gln102His)

Gene: LRSAM1 (leucine rich repeat and sterile alpha motif containing 1; plus strand). Cytogenetic location: 9q33.3.
Variant type: single nucleotide variant.
Coding change: c.306G>C on transcript NM_001005373.4 (MANE Select); coding-DNA position 306, G replaced by C.
Protein change: p.Gln102His; replaces glutamine 102 with histidine.
Molecular consequence: missense variant. On other transcripts: 5 prime UTR variant (1), non-coding transcript variant (2).
Genome position (GRCh38, 1-based): chr9:127,459,056, G>C. VCF-style: chr9-127459056-G-C. GRCh37 (hg19) VCF-style: chr9-130221335-G-C.
Other names: c.306G>C, p.Gln102His (NM_001005374.4, NM_001190723.3, NM_001384142.1 and 2 more transcripts); c.-479G>C (NM_001384144.1); short protein forms Q102H.
Identifiers: ClinVar variation 1486982 (VCV001486982.8), dbSNP rs1392534147, ClinGen allele CA374966341.